The following is an entry in ClinVar:

ClinVar aggregate classification (germline): Uncertain significance (1 of 4 stars; one submission).

gnomAD v4.1: 18 of 1,606,400 alleles (0.0011%); highest among the groups gnomAD compares: Admixed American, 0.0017%; no homozygotes.

Submission:

Labcorp Genetics (formerly Invitae), Labcorp
Classification: Uncertain significance. Last evaluated: 2024-04-05. Review status: criteria provided, single submitter. Criteria: Invitae Variant Classification Sherloc (09022015). Collection method: clinical testing. Allele origin: germline.
Comment: This sequence change replaces isoleucine, which is neutral and non-polar, with threonine, which is neutral and polar, at codon 812 of the SCN3A protein (p.Ile812Thr). This variant is present in population databases (no rsID available, gnomAD 0.007%). This variant has not been reported in the literature in individuals affected with SCN3A-related conditions. Advanced modeling of protein sequence and biophysical properties (such as structural, functional, and spatial information, amino acid conservation, physicochemical variation, residue mobility, and thermodynamic stability) has been performed at Invitae for this missense variant, however the output from this modeling did not meet the statistical confidence thresholds required to predict the impact of this variant on SCN3A protein function. In summary, the available evidence is currently insufficient to determine the role of this variant in disease. Therefore, it has been classified as a Variant of Uncertain Significance.

NM_006922.4(SCN3A):c.2435T>C (p.Ile812Thr)

Gene: SCN3A (sodium voltage-gated channel alpha subunit 3; minus strand). Cytogenetic location: 2q24.3.
Variant type: single nucleotide variant.
Coding change: c.2435T>C on transcript NM_006922.4 (MANE Select); coding-DNA position 2435, T replaced by C.
Protein change: p.Ile812Thr; replaces isoleucine 812 with threonine.
Molecular consequence: missense variant.
Genome position (GRCh38, 1-based): chr2:165,131,374, A>G on the plus strand (T>C on the coding strand, the complement: SCN3A is on the minus strand). VCF-style: chr2-165131374-A-G. GRCh37 (hg19) VCF-style: chr2-165987884-A-G.
Other names: c.2288T>C, p.Ile763Thr (NM_001081676.2, NM_001081677.2); short protein forms I763T, I812T.
Identifiers: ClinVar variation 3618233 (VCV003618233.2).